The following is an entry in ClinVar:

ClinVar aggregate classification (germline): Benign/Likely benign. Review status: criteria provided, multiple submitters, no conflicts (2 of 4 stars). 12 submissions from 8 submitters: Benign (9); Likely benign (1). 2 of the submissions do not count toward it. Last evaluated 2026-02-03.

Conditions:
Alternating hemiplegia of childhood 1 (AHC1). Identifiers: Orphanet 2131, MedGen C3549447, MONDO:0007087, OMIM 104290.
Fetal akinesia, respiratory insufficiency, microcephaly, polymicrogyria, and dysmorphic facies. Identifiers: MedGen C5562015, MONDO:0859204, OMIM 619602.
Developmental and epileptic encephalopathy 98. Identifiers: MedGen C5562017, MONDO:0030472, OMIM 619605.
Migraine, familial hemiplegic, 2. Identifiers: Orphanet 569, MedGen C1865322, MONDO:0011232, OMIM 602481.
Familial hemiplegic migraine. Identifiers: MedGen C0338484, MONDO:0000700.

Allele frequency attached by ClinVar (database versions not stated): 1000 Genomes Project 30x 0.00109; 1000 Genomes Project 0.00140; TOPMed 0.00298; ESP Exome Variant Server 0.00315; gnomAD exomes 0.00330 and 0.00469; gnomAD 0.00344 and 0.00350; ExAC 0.00465.
gnomAD v4.1: 5,526 of 1,613,854 alleles (0.34%); highest among the groups gnomAD compares: Middle Eastern, 1.8%; 30 homozygotes.

Submissions (12):

Labcorp Genetics (formerly Invitae), Labcorp
Classification: Benign for Familial hemiplegic migraine. Last evaluated: 2026-02-03. Review status: criteria provided, single submitter. Criteria: Invitae Variant Classification Sherloc (09022015). Collection method: clinical testing. Allele origin: germline.

Fulgent Genetics
Classification: Likely benign for Alternating hemiplegia of childhood 1; Migraine, familial hemiplegic, 2; Fetal akinesia, respiratory insufficiency, microcephaly, polymicrogyria, and dysmorphic facies; Developmental and epileptic encephalopathy 98. Last evaluated: 2022-04-11. Review status: criteria provided, single submitter. Criteria: ACMG Guidelines, 2015. Collection method: clinical testing. Allele origin: unknown.

Genome-Nilou Lab
Classification: Benign for Alternating hemiplegia of childhood 1. Last evaluated: 2021-12-05. Review status: criteria provided, single submitter. Criteria: ACMG Guidelines, 2015. Collection method: clinical testing. Allele origin: germline. Affected: no.

Genome-Nilou Lab
Classification: Benign for Developmental and epileptic encephalopathy 98. Last evaluated: 2021-12-05. Review status: criteria provided, single submitter. Criteria: ACMG Guidelines, 2015. Collection method: clinical testing. Allele origin: germline. Affected: no.

Genome-Nilou Lab
Classification: Benign for Fetal akinesia, respiratory insufficiency, microcephaly, polymicrogyria, and dysmorphic facies. Last evaluated: 2021-12-05. Review status: criteria provided, single submitter. Criteria: ACMG Guidelines, 2015. Collection method: clinical testing. Allele origin: germline. Affected: no.

Genome-Nilou Lab
Classification: Benign for Migraine, familial hemiplegic, 2. Last evaluated: 2021-12-05. Review status: criteria provided, single submitter. Criteria: ACMG Guidelines, 2015. Collection method: clinical testing. Allele origin: germline. Affected: no.

Illumina Laboratory Services, Illumina
Classification: Benign for Alternating hemiplegia of childhood 1. Last evaluated: 2018-01-13. Review status: criteria provided, single submitter. Criteria: ICSL Variant Classification Criteria 13 December 2019. Collection method: clinical testing. Allele origin: germline.
Comment: This variant was observed in the ICSL laboratory as part of a predisposition screen in an ostensibly healthy population. It had not been previously curated by ICSL or reported in the Human Gene Mutation Database (HGMD: prior to June 1st, 2018), and was therefore a candidate for classification through an automated scoring system. Utilizing variant allele frequency, disease prevalence and penetrance estimates, and inheritance mode, an automated score was calculated to assess if this variant is too frequent to cause the disease. Based on the score and internal cut-off values, a variant classified as benign is not then subjected to further curation. The score for this variant resulted in a classification of benign for this disease.

Illumina Laboratory Services, Illumina
Classification: Benign for Migraine, familial hemiplegic, 2. Last evaluated: 2018-01-13. Review status: criteria provided, single submitter. Criteria: ICSL Variant Classification Criteria 13 December 2019. Collection method: clinical testing. Allele origin: germline.
Comment: the same text as in the submission from Illumina Laboratory Services, Illumina above.

GeneDx
Classification: Benign. Last evaluated: 2013-04-04. Review status: criteria provided, single submitter. Criteria: GeneDx Variant Classification (06012015). Collection method: clinical testing. Allele origin: germline. Affected: yes.
Comment: This variant is considered likely benign or benign based on one or more of the following criteria: it is a conservative change, it occurs at a poorly conserved position in the protein, it is predicted to be benign by multiple in silico algorithms, and/or has population frequency not consistent with disease.

Breakthrough Genomics
Classification: Benign. Review status: criteria provided, single submitter. Criteria: ACMG Guidelines, 2015. Collection method: not provided. Allele origin: germline. Inheritance: Autosomal recessive inheritance. Affected: yes.

Genome Diagnostics Laboratory, University Medical Center Utrecht
Classification: Likely benign. Review status: no assertion criteria provided. Collection method: clinical testing. Allele origin: germline. Affected: yes. Study: VKGL Data-share Consensus. Not counted in ClinVar's aggregate classification.

Joint Genome Diagnostic Labs from Nijmegen and Maastricht, Radboudumc and MUMC+
Classification: Benign. Review status: no assertion criteria provided. Collection method: clinical testing. Allele origin: germline. Affected: yes. Study: VKGL Data-share Consensus. Not counted in ClinVar's aggregate classification.

NM_000702.4(ATP1A2):c.2943-15C>T

Gene: ATP1A2 (ATPase Na+/K+ transporting subunit alpha 2; plus strand). Cytogenetic location: 1q23.2.
Variant type: single nucleotide variant.
Coding change: c.2943-15C>T on transcript NM_000702.4 (MANE Select); 15 bases into the intron before coding-DNA position 2943, C replaced by T.
Molecular consequence: intron variant.
Genome position (GRCh38, 1-based): chr1:160,139,878, C>T. VCF-style: chr1-160139878-C-T. GRCh37 (hg19) VCF-style: chr1-160109668-C-T.
Identifiers: ClinVar variation 136457 (VCV000136457.18), dbSNP rs111510835, ClinGen allele CA289592.